The following is an entry in ClinVar:

ClinVar aggregate classification (germline): Uncertain significance (1 of 4 stars; one submission).

gnomAD v4.1: 9 of 1,611,090 alleles (0.00056%); highest among the groups gnomAD compares: Non-Finnish European, 0.00076%; no homozygotes.

Submission:

Labcorp Genetics (formerly Invitae), Labcorp
Classification: Uncertain significance. Last evaluated: 2025-11-09. Review status: criteria provided, single submitter. Criteria: Invitae Variant Classification Sherloc (09022015). Collection method: clinical testing. Allele origin: germline.
Comment: This sequence change affects codon 1135 of the FOCAD mRNA. It is a 'silent' change, meaning that it does not change the encoded amino acid sequence of the FOCAD protein. This variant is present in population databases (rs777844112, gnomAD 0.005%). This variant has not been reported in the literature in individuals affected with FOCAD-related conditions. Algorithms developed to predict the effect of sequence changes on RNA splicing suggest that this variant may disrupt the consensus splice site. In summary, the available evidence is currently insufficient to determine the role of this variant in disease. Therefore, it has been classified as a Variant of Uncertain Significance.

NM_001375567.1(FOCAD):c.3405C>T (p.Tyr1135=)

Gene: FOCAD (focadhesin; plus strand). Cytogenetic location: 9p21.3.
Variant type: single nucleotide variant.
Coding change: c.3405C>T on transcript NM_001375567.1 (MANE Select); coding-DNA position 3405, C replaced by T.
Protein change: p.Tyr1135=; no amino-acid change (tyrosine 1135 retained).
Molecular consequence: synonymous variant.
Genome position (GRCh38, 1-based): chr9:20,933,101, C>T. VCF-style: chr9-20933101-C-T. GRCh37 (hg19) VCF-style: chr9-20933100-C-T.
Other names: c.3300C>T, p.Tyr1100= (NM_001375568.1, NM_001375570.1); c.3405C>T, p.Tyr1135= (NM_017794.5).
Identifiers: ClinVar variation 4711263 (VCV004711263.1).